The following is an entry in ClinVar:

ClinVar aggregate classification (germline): Conflicting classifications of pathogenicity. Review status: criteria provided, conflicting classifications (1 of 4 stars). 5 submissions from 5 submitters: Uncertain significance (1); Benign (2); Likely benign (2). Last evaluated 2025-08-08.

Conditions:
Emery-Dreifuss muscular dystrophy 4, autosomal dominant (EDMD4). Also called: EMERY-DREIFUSS MUSCULAR DYSTROPHY 4 WITH VARIABLE FEATURES. Identifiers: Orphanet 261, MedGen C2751807, MONDO:0013071, OMIM 612998.
Autosomal recessive ataxia, Beauce type. Also called: SYNE1 Deficiency; Spinocerebellar ataxia, autosomal recessive 8; ATAXIA, RECESSIVE, OF BEAUCE; SYNE1-Related Autosomal Recessive Cerebellar Ataxia. Identifiers: Orphanet 88644, MedGen C1853116, MONDO:0012549, OMIM 610743.

Allele frequency attached by ClinVar (database versions not stated): TOPMed 0.00005; gnomAD 0.00008 and 0.00015; gnomAD exomes 0.00016; ExAC 0.00021; 1000 Genomes Project 0.00140; 1000 Genomes Project 30x 0.00141.
gnomAD v4.1: 316 of 1,614,138 alleles (0.02%); highest among the groups gnomAD compares: East Asian, 0.68%; 2 homozygotes.

Submissions (5):

Mayo Clinic Laboratories, Mayo Clinic
Classification: Likely benign. Last evaluated: 2025-08-08. Review status: criteria provided, single submitter. Criteria: ACMG Guidelines, 2015. Collection method: clinical testing. Allele origin: germline. Observed: 1 variant allele.
Comment: BS1, BP4, BP7

Labcorp Genetics (formerly Invitae), Labcorp
Classification: Benign for Emery-Dreifuss muscular dystrophy 4, autosomal dominant; Autosomal recessive ataxia, Beauce type. Last evaluated: 2025-05-30. Review status: criteria provided, single submitter. Criteria: Invitae Variant Classification Sherloc (09022015). Collection method: clinical testing. Allele origin: germline.

Athena Diagnostics
Classification: Benign. Last evaluated: 2023-10-27. Review status: criteria provided, single submitter. Criteria: Athena Diagnostics Criteria. Collection method: clinical testing. Allele origin: unknown.

GeneDx
Classification: Likely benign. Last evaluated: 2018-01-22. Review status: criteria provided, single submitter. Criteria: GeneDx Variant Classification (06012015). Collection method: clinical testing. Allele origin: germline. Affected: yes.
Comment: This variant is considered likely benign or benign based on one or more of the following criteria: it is a conservative change, it occurs at a poorly conserved position in the protein, it is predicted to be benign by multiple in silico algorithms, and/or has population frequency not consistent with disease.

Eurofins Ntd Llc (ga)
Classification: Uncertain significance. Last evaluated: 2017-09-06. Review status: criteria provided, single submitter. Criteria: EGL Classification Definitions 2015. Collection method: clinical testing. Allele origin: germline. Observed: 1 variant allele, 1 heterozygote.

NM_182961.4(SYNE1):c.5488T>C (p.Leu1830=)

Gene: SYNE1 (spectrin repeat containing nuclear envelope protein 1; minus strand). Cytogenetic location: 6q25.2.
Variant type: single nucleotide variant.
Coding change: c.5488T>C on transcript NM_182961.4 (MANE Select); coding-DNA position 5488, T replaced by C.
Protein change: p.Leu1830=; no amino-acid change (leucine 1830 retained).
Molecular consequence: synonymous variant.
Genome position (GRCh38, 1-based): chr6:152,416,949, A>G on the plus strand (T>C on the coding strand, the complement: SYNE1 is on the minus strand). VCF-style: chr6-152416949-A-G. GRCh37 (hg19) VCF-style: chr6-152738084-A-G.
Other names: p.Leu1837=; c.5509T>C, p.Leu1837= (NM_033071.5).
Identifiers: ClinVar variation 514842 (VCV000514842.18), dbSNP rs118022241, ClinGen allele CA4058261.